The following is an entry in ClinVar:

NM_005476.7(GNE):c.1508C>G (p.Pro503Arg)

Gene: GNE (glucosamine (UDP-N-acetyl)-2-epimerase/N-acetylmannosamine kinase; minus strand). Cytogenetic location: 9p13.3.
Variant type: single nucleotide variant.
Coding change: c.1508C>G on transcript NM_005476.7 (MANE Select); coding-DNA position 1508, C replaced by G.
Protein change: p.Pro503Arg; replaces proline 503 with arginine.
Molecular consequence: missense variant. On other transcripts: intron variant (1).
Genome position (GRCh38, 1-based): chr9:36,222,902, G>C on the plus strand (C>G on the coding strand, the complement: GNE is on the minus strand). VCF-style: chr9-36222902-G-C. GRCh37 (hg19) VCF-style: chr9-36222899-G-C.
Other names: c.1331C>G, p.Pro444Arg (NM_001190388.2, NM_001374798.1); c.1355C>G, p.Pro452Arg (NM_001374797.1); c.1411+471C>G (NM_001190383.3); c.1601C>G, p.Pro534Arg (NM_001128227.3); c.1178C>G, p.Pro393Arg (NM_001190384.3); short protein forms P393R, P444R, P452R, P503R, P534R.
Identifiers: ClinVar variation 3762764 (VCV003762764.2).

ClinVar aggregate classification (germline): Uncertain significance (1 of 4 stars; one submission).

Conditions:
Sialuria. Also called: SIALURIA, FRENCH TYPE; Sialic Acid Storage Disease. Identifiers: Orphanet 3166, MedGen C0342853, MONDO:0010028, OMIM 269921.
GNE myopathy (NM). Also called: INCLUSION BODY MYOPATHY, HEREDITARY, AUTOSOMAL RECESSIVE; INCLUSION BODY MYOPATHY 2, AUTOSOMAL RECESSIVE; MYOPATHY, DISTAL, WITH OR WITHOUT RIMMED VACUOLES; NONAKA DISTAL MYOPATHY; IBM 2; Inclusion body myopathy autosomal recessive. Identifiers: Orphanet 602, MedGen C1853926, MONDO:0011603, OMIM 605820.

gnomAD v4.1: 2 of 1,614,040 alleles (0.00012%); highest among the groups gnomAD compares: African/African-American, 0.0027%; no homozygotes.

Submission:

Labcorp Genetics (formerly Invitae), Labcorp
Classification: Uncertain significance for Sialuria; GNE myopathy. Last evaluated: 2024-09-11. Review status: criteria provided, single submitter. Criteria: Invitae Variant Classification Sherloc (09022015). Collection method: clinical testing. Allele origin: germline.
Comment: This sequence change replaces proline, which is neutral and non-polar, with arginine, which is basic and polar, at codon 534 of the GNE protein (p.Pro534Arg). This variant is present in population databases (rs371648692, gnomAD 0.007%). This variant has not been reported in the literature in individuals affected with GNE-related conditions. Invitae Evidence Modeling of protein sequence and biophysical properties (such as structural, functional, and spatial information, amino acid conservation, physicochemical variation, residue mobility, and thermodynamic stability) has been performed for this missense variant. However, the output from this modeling did not meet the statistical confidence thresholds required to predict the impact of this variant on GNE protein function. In summary, the available evidence is currently insufficient to determine the role of this variant in disease. Therefore, it has been classified as a Variant of Uncertain Significance.